The following is an entry in ClinVar:

ClinVar aggregate classification (germline): Uncertain significance (1 of 4 stars; one submission).

Allele frequency attached by ClinVar (database versions not stated): gnomAD exomes below 0.00001; gnomAD 0.00001.

Submission:

CeGaT Center for Human Genetics Tuebingen
Classification: Uncertain significance. Last evaluated: 2023-07-01. Review status: criteria provided, single submitter. Criteria: CeGaT Center For Human Genetics Tuebingen Variant Classification Criteria Version 2. Collection method: clinical testing. Allele origin: germline. Affected: yes. Observed: 1 variant allele.
Comment: NFASC: PM2, PP3

NM_001005388.3(NFASC):c.1879C>T (p.Arg627Trp)

Gene: NFASC (neurofascin; plus strand). Cytogenetic location: 1q32.1.
Variant type: single nucleotide variant.
Coding change: c.1879C>T on transcript NM_001005388.3 (MANE Select); coding-DNA position 1879, C replaced by T.
Protein change: p.Arg627Trp; replaces arginine 627 with tryptophan.
Molecular consequence: missense variant.
Genome position (GRCh38, 1-based): chr1:204,978,970, C>T. VCF-style: chr1-204978970-C-T. GRCh37 (hg19) VCF-style: chr1-204948098-C-T.
Other names: c.1912C>T, p.Arg638Trp (NM_001160331.2); c.1867C>T, p.Arg623Trp (NM_001160332.2, NM_001365986.1, NM_015090.4); c.1879C>T, p.Arg627Trp (NM_001378329.1); short protein forms R623W, R627W, R638W.
Identifiers: ClinVar variation 2639837 (VCV002639837.24), dbSNP rs908890431, ClinGen allele CA344393549.